The following is an entry in ClinVar:

NM_015910.7(WDPCP):c.1023C>G (p.Ile341Met)

Gene: WDPCP (WD repeat containing planar cell polarity effector; minus strand). Cytogenetic location: 2p15.
Variant type: single nucleotide variant.
Coding change: c.1023C>G on transcript NM_015910.7 (MANE Select); coding-DNA position 1023, C replaced by G.
Protein change: p.Ile341Met; replaces isoleucine 341 with methionine.
Molecular consequence: missense variant. On other transcripts: non-coding transcript variant (3).
Genome position (GRCh38, 1-based): chr2:63,404,460, G>C on the plus strand (C>G on the coding strand, the complement: WDPCP is on the minus strand). VCF-style: chr2-63404460-G-C. GRCh37 (hg19) VCF-style: chr2-63631595-G-C.
Other names: c.546C>G, p.Ile182Met (NM_001042692.3); c.951C>G, p.Ile317Met (NM_001354044.2); c.1023C>G, p.Ile341Met (NM_001354045.2); short protein forms I317M, I182M, I341M.
Identifiers: ClinVar variation 1402190 (VCV001402190.8), dbSNP rs2105191115, ClinGen allele CA347065307.

ClinVar aggregate classification (germline): Uncertain significance (1 of 4 stars; one submission).

Conditions:
Bardet-Biedl syndrome (BBS). Identifiers: Orphanet 110, MedGen C0752166, MONDO:0015229.

Submission:

Labcorp Genetics (formerly Invitae), Labcorp
Classification: Uncertain significance for Bardet-Biedl syndrome. Last evaluated: 2024-10-07. Review status: criteria provided, single submitter. Criteria: Invitae Variant Classification Sherloc (09022015). Collection method: clinical testing. Allele origin: germline.
Comment: This sequence change replaces isoleucine, which is neutral and non-polar, with methionine, which is neutral and non-polar, at codon 341 of the WDPCP protein (p.Ile341Met). This variant is not present in population databases (gnomAD no frequency). This variant has not been reported in the literature in individuals affected with WDPCP-related conditions. ClinVar contains an entry for this variant (Variation ID: 1402190). Invitae Evidence Modeling of protein sequence and biophysical properties (such as structural, functional, and spatial information, amino acid conservation, physicochemical variation, residue mobility, and thermodynamic stability) has been performed for this missense variant. However, the output from this modeling did not meet the statistical confidence thresholds required to predict the impact of this variant on WDPCP protein function. In summary, the available evidence is currently insufficient to determine the role of this variant in disease. Therefore, it has been classified as a Variant of Uncertain Significance.